The following is an entry in ClinVar:

NM_001374353.1(GLI2):c.3699C>T (p.Val1233=)

Gene: GLI2 (GLI family zinc finger 2; plus strand). Cytogenetic location: 2q14.2.
Variant type: single nucleotide variant.
Coding change: c.3699C>T on transcript NM_001374353.1 (MANE Select); coding-DNA position 3699, C replaced by T.
Protein change: p.Val1233=; no amino-acid change (valine 1233 retained).
Molecular consequence: synonymous variant.
Genome position (GRCh38, 1-based): chr2:120,989,664, C>T. VCF-style: chr2-120989664-C-T. GRCh37 (hg19) VCF-style: chr2-121747240-C-T.
Other names: c.3750C>T, p.Val1250= (NM_001371271.1, NM_005270.5); c.3324C>T, p.Val1108= (NM_001374354.1).
Identifiers: ClinVar variation 707358 (VCV000707358.9), dbSNP rs1195795024, ClinGen allele CA428750116.

ClinVar aggregate classification (germline): Likely benign. Review status: criteria provided, single submitter (1 of 4 stars). 2 submissions from 2 submitters: Likely benign (1). 1 of the submissions does not count toward it. Last evaluated 2021-07-13.

Conditions:
Postaxial polydactyly-anterior pituitary anomalies-facial dysmorphism syndrome. Also called: Culler-Jones syndrome. Identifiers: Orphanet 420584, MedGen C4014479, MONDO:0014369, OMIM 615849.
Holoprosencephaly 9 (HPE9). Also called: PITUITARY ANOMALIES WITH HOLOPROSENCEPHALY-LIKE FEATURES; HOLOPROSENCEPHALY WITH MICROPHTHALMIA AND FIRST BRANCHIAL ARCH ANOMALIES. Identifiers: Orphanet 2162, MedGen C1835819, MONDO:0012563, OMIM 610829.
GLI2-related disorder. Also called: GLI2-related disorders; GLI2-related condition.

Allele frequency attached by ClinVar (database versions not stated): gnomAD exomes below 0.00001; TOPMed 0.00001.
gnomAD v4.1: 1 of 1,613,422 alleles (0.000062%); highest among the groups gnomAD compares: Admixed American, 0.0017%; no homozygotes.

Submissions (2):

Labcorp Genetics (formerly Invitae), Labcorp
Classification: Likely benign for Postaxial polydactyly-anterior pituitary anomalies-facial dysmorphism syndrome; Holoprosencephaly 9. Last evaluated: 2021-07-13. Review status: criteria provided, single submitter. Criteria: Invitae Variant Classification Sherloc (09022015). Collection method: clinical testing. Allele origin: germline.

PreventionGenetics, part of Exact Sciences
Classification: Likely benign for GLI2-related condition. Last evaluated: 2019-03-07. Review status: no assertion criteria provided. Collection method: clinical testing. Allele origin: germline. Not counted in ClinVar's aggregate classification.
Comment: This variant is classified as likely benign based on ACMG/AMP sequence variant interpretation guidelines (Richards et al. 2015 PMID: 25741868, with internal and published modifications).